The following is an entry in ClinVar:

ClinVar aggregate classification (germline): Uncertain significance. Review status: criteria provided, multiple submitters, no conflicts (2 of 4 stars). 4 submissions from 4 submitters: Uncertain significance (4). Last evaluated 2025-08-04.

Conditions:
Epilepsy, progressive myoclonic, 1B. Also called: PME. Identifiers: Orphanet 308, MedGen C2676254, MONDO:0012904, OMIM 612437.

Allele frequency attached by ClinVar (database versions not stated): gnomAD exomes 0.00001; ExAC 0.00002; gnomAD 0.00003; TOPMed 0.00003; ESP Exome Variant Server 0.00015.
gnomAD v4.1: 16 of 1,614,016 alleles (0.00099%); highest among the groups gnomAD compares: African/African-American, 0.0027%; no homozygotes.

Submissions (4):

Ambry Genetics
Classification: Uncertain significance. Last evaluated: 2025-08-04. Review status: criteria provided, single submitter. Criteria: Ambry Variant Classification Scheme 2023. Collection method: clinical testing. Allele origin: germline.

Labcorp Genetics (formerly Invitae), Labcorp
Classification: Uncertain significance for Epilepsy, progressive myoclonic, 1B. Last evaluated: 2022-08-23. Review status: criteria provided, single submitter. Criteria: Invitae Variant Classification Sherloc (09022015). Collection method: clinical testing. Allele origin: germline.
Comment: This sequence change replaces glycine, which is neutral and non-polar, with serine, which is neutral and polar, at codon 742 of the PRICKLE1 protein (p.Gly742Ser). This variant is present in population databases (rs370967125, gnomAD 0.002%). This variant has not been reported in the literature in individuals affected with PRICKLE1-related conditions. ClinVar contains an entry for this variant (Variation ID: 206673). Algorithms developed to predict the effect of missense changes on protein structure and function (SIFT, PolyPhen-2, Align-GVGD) all suggest that this variant is likely to be tolerated. Algorithms developed to predict the effect of sequence changes on RNA splicing suggest that this variant may create or strengthen a splice site. In summary, the available evidence is currently insufficient to determine the role of this variant in disease. Therefore, it has been classified as a Variant of Uncertain Significance.

Mayo Clinic Laboratories, Mayo Clinic
Classification: Uncertain significance. Last evaluated: 2021-08-11. Review status: criteria provided, single submitter. Criteria: ACMG Guidelines, 2015. Collection method: clinical testing. Allele origin: germline.

GeneDx
Classification: Uncertain significance. Last evaluated: 2014-03-11. Review status: criteria provided, single submitter. Criteria: GeneDx Variant Classification (06012015). Collection method: clinical testing. Allele origin: germline. Affected: yes.
Comment: p.Gly742Ser (GGC>AGC): c.2224 G>A in exon 8 of the PRICKLE1 gene (NM_153026.2). The G742S variant has not been published as a mutation, nor has it been reported as a benign polymorphism to our knowledge. The G742S variant was not observed with any significant frequency in approximately 6500 individuals of European and African American ancestry in the NHLBI Exome Sequencing Project. The G742S variant is a non-conservative amino acid substitution, which is likely to impact secondary protein structure as these residues differ in polarity, charge, size and/or other properties. However, this substitution alters a poorly conserved position in the Vangl/Dgo binding domain of the PRICKLE1 protein. In silico analysis predicts this variant likely does not alter the protein structure/function. Therefore, based on the currently available information, it is unclear whether this variant is a pathogenic mutation or a rare benign variant. The variant is found in EPILEPSY panel(s).

NM_153026.3(PRICKLE1):c.2224G>A (p.Gly742Ser)

Gene: PRICKLE1 (prickle planar cell polarity protein 1; minus strand). Cytogenetic location: 12q12.
Variant type: single nucleotide variant.
Coding change: c.2224G>A on transcript NM_153026.3 (MANE Select); coding-DNA position 2224, G replaced by A.
Protein change: p.Gly742Ser; replaces glycine 742 with serine.
Molecular consequence: missense variant.
Genome position (GRCh38, 1-based): chr12:42,460,081, C>T on the plus strand (G>A on the coding strand, the complement: PRICKLE1 is on the minus strand). VCF-style: chr12-42460081-C-T. GRCh37 (hg19) VCF-style: chr12-42853883-C-T.
Other names: p.G742S:GGC>AGC; p.Gly742Ser; c.2224G>A, p.Gly742Ser (NM_001144881.2, NM_001144882.2, NM_001144883.2); short protein forms G742S.
Identifiers: ClinVar variation 206673 (VCV000206673.13), dbSNP rs370967125, ClinGen allele CA317000.
Genomic context (GRCh38, chr12:42,460,081, plus strand): 5'-AGGAATCATCATCCTCGCCGTAGAGTCCCAGAAACCGATTCATTCCTGGGTTCTGCAGGC[C>T]ATAATCGGAAGTGGCATGGGCGTACTGTCCGTAGAGATCAGCATTCTGGATGTATGCTTG-3'
Protein context (NP_694571.2, residues 732-752): GQYAHATSDY[Gly742Ser]LQNPGMNRFL